The following is an entry in ClinVar:

ClinVar aggregate classification (germline): Uncertain significance. Review status: criteria provided, multiple submitters, no conflicts (2 of 4 stars). 3 submissions from 3 submitters: Uncertain significance (2). 1 of the submissions does not count toward it. Last evaluated 2026-07-03.

Conditions:
Inborn genetic diseases. Identifiers: MedGen C0950123, MeSH D030342.
CDK13-related disorder. Also called: CDK13-related condition. Identifiers: MedGen C5816700.

Submissions (3):

Ambry Genetics
Classification: Uncertain significance for Inborn genetic diseases. Last evaluated: 2026-07-03. Review status: criteria provided, single submitter. Criteria: Ambry Variant Classification Scheme 2023. Collection method: clinical testing. Allele origin: germline.

Labcorp Genetics (formerly Invitae), Labcorp
Classification: Uncertain significance. Last evaluated: 2025-01-06. Review status: criteria provided, single submitter. Criteria: Invitae Variant Classification Sherloc (09022015). Collection method: clinical testing. Allele origin: germline.
Comment: This sequence change replaces arginine, which is basic and polar, with leucine, which is neutral and non-polar, at codon 203 of the CDK13 protein (p.Arg203Leu). This variant is not present in population databases (gnomAD no frequency). This variant has not been reported in the literature in individuals affected with CDK13-related conditions. ClinVar contains an entry for this variant (Variation ID: 1981866). Invitae Evidence Modeling of protein sequence and biophysical properties (such as structural, functional, and spatial information, amino acid conservation, physicochemical variation, residue mobility, and thermodynamic stability) indicates that this missense variant is not expected to disrupt CDK13 protein function with a negative predictive value of 95%. In summary, the available evidence is currently insufficient to determine the role of this variant in disease. Therefore, it has been classified as a Variant of Uncertain Significance.

PreventionGenetics, part of Exact Sciences
Classification: Uncertain significance for CDK13-related condition. Last evaluated: 2024-05-03. Review status: no assertion criteria provided. Collection method: clinical testing. Allele origin: germline. Not counted in ClinVar's aggregate classification.
Comment: The CDK13 c.608G>T variant is predicted to result in the amino acid substitution p.Arg203Leu. To our knowledge, this variant has not been reported in the literature or in a large population database, indicating this variant is rare. At this time, the clinical significance of this variant is uncertain due to the absence of conclusive functional and genetic evidence.

NM_003718.5(CDK13):c.608G>T (p.Arg203Leu)

Genes: CDK13 (cyclin dependent kinase 13; plus strand), LOC129998293 (ATAC-STARR-seq lymphoblastoid silent region 18116; plus strand). Cytogenetic location: 7p14.1.
Variant type: single nucleotide variant.
Coding change: c.608G>T on transcript NM_003718.5 (MANE Select); coding-DNA position 608, G replaced by T.
Protein change: p.Arg203Leu; replaces arginine 203 with leucine.
Molecular consequence: missense variant.
Genome position (GRCh38, 1-based): chr7:39,951,249, G>T. VCF-style: chr7-39951249-G-T. GRCh37 (hg19) VCF-style: chr7-39990848-G-T.
Other names: c.608G>T, p.Arg203Leu (NM_031267.4); short protein forms R203L.
Identifiers: ClinVar variation 1981866 (VCV001981866.6), dbSNP rs2116059187, ClinGen allele CA367310087.